The following is an entry in ClinVar:

NM_005751.5(AKAP9):c.5944G>C (p.Ala1982Pro)

Gene: AKAP9 (A-kinase anchoring protein 9; plus strand). Cytogenetic location: 7q21.2.
Variant type: single nucleotide variant.
Coding change: c.5944G>C on transcript NM_005751.5 (MANE Select); coding-DNA position 5944, G replaced by C.
Protein change: p.Ala1982Pro; replaces alanine 1982 with proline.
Molecular consequence: missense variant.
Genome position (GRCh38, 1-based): chr7:92,062,453, G>C. VCF-style: chr7-92062453-G-C. GRCh37 (hg19) VCF-style: chr7-91691767-G-C.
Other names: c.589G>C, p.Ala197Pro (NM_001379277.1); c.5944G>C, p.Ala1982Pro (NM_147185.3); short protein forms A197P, A1982P.
Identifiers: ClinVar variation 3517428 (VCV003517428.1).

ClinVar aggregate classification (germline): Uncertain significance (1 of 4 stars; one submission).

Conditions:
Cardiovascular phenotype. Identifiers: MedGen CN230736.

Submission:

Ambry Genetics
Classification: Uncertain significance for Cardiovascular phenotype. Last evaluated: 2024-12-09. Review status: criteria provided, single submitter. Criteria: Ambry Variant Classification Scheme 2023. Collection method: clinical testing. Allele origin: germline.
Comment: The p.A1982P variant (also known as c.5944G>C), located in coding exon 24 of the AKAP9 gene, results from a G to C substitution at nucleotide position 5944. The alanine at codon 1982 is replaced by proline, an amino acid with highly similar properties. This amino acid position is conserved. In addition, this alteration is predicted to be tolerated by in silico analysis. Based on the available evidence, the clinical significance of this variant remains unclear.